The following is an entry in ClinVar:

NM_182961.4(SYNE1):c.1027A>G (p.Asn343Asp)

Gene: SYNE1 (spectrin repeat containing nuclear envelope protein 1; minus strand). Cytogenetic location: 6q25.2.
Variant type: single nucleotide variant.
Coding change: c.1027A>G on transcript NM_182961.4 (MANE Select); coding-DNA position 1027, A replaced by G.
Protein change: p.Asn343Asp; replaces asparagine 343 with aspartic acid.
Molecular consequence: missense variant.
Genome position (GRCh38, 1-based): chr6:152,488,416, T>C on the plus strand (A>G on the coding strand, the complement: SYNE1 is on the minus strand). VCF-style: chr6-152488416-T-C. GRCh37 (hg19) VCF-style: chr6-152809551-T-C.
Other names: c.1048A>G, p.Asn350Asp (NM_033071.5); short protein forms N350D, N343D.
Identifiers: ClinVar variation 1382824 (VCV001382824.6), dbSNP rs1289374962, ClinGen allele CA366144188.
Genomic context (GRCh38, chr6:152,488,416, plus strand): 5'-ATAGCTTTTGAAAAATTCAAAAATCTTCTCCATACAATACCTGATATTTATCCTGTAAAT[T>C]TGATTCCACCATCTGTGCTCTTGTCAAATCTCTCTCAAATTGTTCTATCCAAACTTTCAT-3'
Protein context (NP_892006.3, residues 333-353): DLTRAQMVES[Asn343Asp]LQDKYQSFKH

ClinVar aggregate classification (germline): Uncertain significance (1 of 4 stars; one submission).

Conditions:
Emery-Dreifuss muscular dystrophy 4, autosomal dominant (EDMD4). Also called: EMERY-DREIFUSS MUSCULAR DYSTROPHY 4 WITH VARIABLE FEATURES. Identifiers: Orphanet 261, MedGen C2751807, MONDO:0013071, OMIM 612998.
Autosomal recessive ataxia, Beauce type. Also called: SYNE1-Related Autosomal Recessive Cerebellar Ataxia; Spinocerebellar ataxia, autosomal recessive 8; ATAXIA, RECESSIVE, OF BEAUCE; SYNE1 Deficiency. Identifiers: Orphanet 88644, MedGen C1853116, MONDO:0012549, OMIM 610743.

Allele frequency attached by ClinVar (database versions not stated): gnomAD exomes below 0.00001; gnomAD 0.00001; TOPMed 0.00002.
gnomAD v4.1: 4 of 1,604,390 alleles (0.00025%); highest among the groups gnomAD compares: African/African-American, 0.0013%; no homozygotes.

Submission:

Labcorp Genetics (formerly Invitae), Labcorp
Classification: Uncertain significance for Emery-Dreifuss muscular dystrophy 4, autosomal dominant; Autosomal recessive ataxia, Beauce type. Last evaluated: 2021-09-18. Review status: criteria provided, single submitter. Criteria: Invitae Variant Classification Sherloc (09022015). Collection method: clinical testing. Allele origin: germline.
Comment: This sequence change replaces asparagine with aspartic acid at codon 350 of the SYNE1 protein (p.Asn350Asp). The asparagine residue is moderately conserved and there is a small physicochemical difference between asparagine and aspartic acid. This variant is not present in population databases (ExAC no frequency). This variant has not been reported in the literature in individuals affected with SYNE1-related conditions. Algorithms developed to predict the effect of missense changes on protein structure and function (SIFT, PolyPhen-2, Align-GVGD) all suggest that this variant is likely to be tolerated. In summary, the available evidence is currently insufficient to determine the role of this variant in disease. Therefore, it has been classified as a Variant of Uncertain Significance.